The following is an entry in ClinVar:

ClinVar aggregate classification (germline): Uncertain significance (1 of 4 stars; one submission).

Submission:

Labcorp Genetics (formerly Invitae), Labcorp
Classification: Uncertain significance. Last evaluated: 2022-08-26. Review status: criteria provided, single submitter. Criteria: Invitae Variant Classification Sherloc (09022015). Collection method: clinical testing. Allele origin: germline.
Comment: Algorithms developed to predict the effect of missense changes on protein structure and function (SIFT, PolyPhen-2, Align-GVGD) all suggest that this variant is likely to be tolerated. This variant has not been reported in the literature in individuals affected with INS-related conditions. This variant is not present in population databases (gnomAD no frequency). This sequence change replaces glycine, which is neutral and non-polar, with alanine, which is neutral and non-polar, at codon 71 of the INS protein (p.Gly71Ala). In summary, the available evidence is currently insufficient to determine the role of this variant in disease. Therefore, it has been classified as a Variant of Uncertain Significance.

NM_000207.3(INS):c.212G>C (p.Gly71Ala)

Genes: INS (insulin; minus strand), INS-IGF2 (INS-IGF2 readthrough; minus strand). Cytogenetic location: 11p15.5.
Variant type: single nucleotide variant.
Coding change: c.212G>C on transcript NM_000207.3 (MANE Select); coding-DNA position 212, G replaced by C.
Protein change: p.Gly71Ala; replaces glycine 71 with alanine.
Molecular consequence: missense variant. On other transcripts: intron variant (1).
Genome position (GRCh38, 1-based): chr11:2,159,973, C>G on the plus strand (G>C on the coding strand, the complement: INS is on the minus strand). VCF-style: chr11-2159973-C-G. GRCh37 (hg19) VCF-style: chr11-2181203-C-G.
Other names: c.212G>C, p.Gly71Ala (NM_001185097.2, NM_001185098.2, NM_001291897.2); c.187+812G>C (NM_001042376.3); short protein forms G71A.
Identifiers: ClinVar variation 1718014 (VCV001718014.5), dbSNP rs780264600, ClinGen allele CA379121011.
Genomic context (GRCh38, chr11:2,159,973, plus strand): 5'-ATGCCACGCTTCTGCAGGGACCCCTCCAGGGCCAAGGGCTGCAGGCTGCCTGCACCAGGG[C>G]CCCCGCCCAGCTCCACCTGCCCCACTGCCAGGACGTGCCGCGCAGAGCAGGTTCCGGAAC-3'
Protein context (NP_000198.1, residues 61-81): LQVGQVELGG[Gly71Ala]PGAGSLQPLA